The following is an entry in ClinVar:

NM_001387567.1(BTBD6):c.990G>C (p.Gly330=)

Genes: BRF1 (BRF1 general transcription factor IIIB subunit; minus strand), BTBD6 (BTB domain containing 6; plus strand). Cytogenetic location: 14q32.33.
Variant type: single nucleotide variant.
Coding change: c.990G>C on transcript NM_001387567.1 (MANE Select); coding-DNA position 990, G replaced by C.
Protein change: p.Gly330=; no amino-acid change (glycine 330 retained).
Molecular consequence: synonymous variant. On other transcripts: intron variant (7).
Genome position (GRCh38, 1-based): chr14:105,250,045, G>C. VCF-style: chr14-105250045-G-C. GRCh37 (hg19) VCF-style: chr14-105716382-G-C.
Other names: c.463+2462C>G (NM_001242788.2); c.544+2462C>G (NM_001440450.1, NM_001440449.1, NM_001519.4); c.831G>C, p.Gly277= (NM_033271.3); c.199+2462C>G (NM_001440451.1, NM_001242787.2, NM_001242786.2).
Identifiers: ClinVar variation 4085600 (VCV004085600.8).

ClinVar aggregate classification (germline): Likely benign (1 of 4 stars; one submission).

gnomAD v4.1: 6 of 1,612,974 alleles (0.00037%); highest among the groups gnomAD compares: Non-Finnish European, 0.00051%; no homozygotes.

Submission:

CeGaT Center for Human Genetics Tuebingen
Classification: Likely benign. Last evaluated: 2025-08-01. Review status: criteria provided, single submitter. Criteria: CeGaT Center For Human Genetics Tuebingen Variant Classification Criteria Version 2. Collection method: clinical testing. Allele origin: germline. Affected: yes. Observed: 1 variant allele.
Comment: BTBD6: BP4, BP7